The following is an entry in ClinVar:

ClinVar aggregate classification (germline): Likely benign. Review status: criteria provided, multiple submitters, no conflicts (2 of 4 stars). 4 submissions from 4 submitters: Likely benign (4). Last evaluated 2025-05-19.

Conditions:
Hereditary cancer-predisposing syndrome. Also called: Neoplastic Syndromes, Hereditary; Tumor predisposition; Hereditary Cancer Syndrome; Hereditary neoplastic syndrome. Identifiers: Orphanet 140162, MedGen C0027672, MeSH D009386, MONDO:0015356.
Multiple endocrine neoplasia, type 2 (MEN2). Identifiers: Orphanet 653, MedGen C4048306, MONDO:0019003. Disease mechanism: gain of function.

Allele frequency attached by ClinVar (database versions not stated): gnomAD exomes below 0.00001; TOPMed below 0.00001.
gnomAD v4.1: 2 of 1,614,256 alleles (0.00012%); highest among the groups gnomAD compares: Non-Finnish European, 0.00017%; no homozygotes.

Submissions (4):

Labcorp Genetics (formerly Invitae), Labcorp
Classification: Likely benign for Multiple endocrine neoplasia, type 2. Last evaluated: 2025-05-19. Review status: criteria provided, single submitter. Criteria: Invitae Variant Classification Sherloc (09022015). Collection method: clinical testing. Allele origin: germline.

All of Us Research Program, National Institutes of Health
Classification: Likely benign for Multiple endocrine neoplasia, type 2. Last evaluated: 2023-05-30. Review status: criteria provided, single submitter. Criteria: ACMG Guidelines, 2015. Collection method: clinical testing. Allele origin: germline. Inheritance: Autosomal dominant inheritance. Observed: 1 variant allele, 1 heterozygote.
Comment: This study involves interpretation of variants in research participants for the purpose of population health screening. Participant phenotype was not available at the time of variant classification. Additional details can be found in publication PMID: 35346344, PMCID: PMC8962531

Color Diagnostics, LLC DBA Color Health
Classification: Likely benign for Multiple endocrine neoplasia, type 2. Last evaluated: 2023-05-18. Review status: criteria provided, single submitter. Criteria: ACMG Guidelines, 2015. Collection method: clinical testing. Allele origin: germline.

Ambry Genetics
Classification: Likely benign for Hereditary cancer-predisposing syndrome. Last evaluated: 2021-09-09. Review status: criteria provided, single submitter. Criteria: Ambry Variant Classification Scheme 2023. Collection method: clinical testing. Allele origin: germline.

NM_020975.6(RET):c.423C>G (p.Gly141=)

Gene: RET (ret proto-oncogene; plus strand). Cytogenetic location: 10q11.21.
Variant type: single nucleotide variant.
Coding change: c.423C>G on transcript NM_020975.6 (MANE Select); coding-DNA position 423, C replaced by G.
Protein change: p.Gly141=; no amino-acid change (glycine 141 retained).
Molecular consequence: synonymous variant. On other transcripts: intron variant (22).
Genome position (GRCh38, 1-based): chr10:43,102,427, C>G. VCF-style: chr10-43102427-C-G. GRCh37 (hg19) VCF-style: chr10-43597875-C-G.
Other names: c.423C>G, p.Gly141= (NM_000323.2, NM_001406743.1, NM_001406744.1 and 16 more transcripts); c.338-44C>G (NM_001406764.1, NM_001406762.1, NM_001406761.1 and 4 more transcripts); c.337+1705C>G (NM_001406770.1, NM_001406766.1, NM_001406767.1 and 8 more transcripts); c.74-6604C>G (NM_001406784.1); c.74-9672C>G (NM_001406794.1, NM_001406792.1, NM_001406793.1).
Identifiers: ClinVar variation 640429 (VCV000640429.13), dbSNP rs1554817548, ClinGen allele CA469279360.
Genomic context (GRCh38, chr10:43,102,427, plus strand): 5'-CTACCTCAAGGTCTTCCTGTCACCCACATCCCTTCGTGAGGGCGAGTGCCAGTGGCCAGG[C>G]TGTGCCCGCGTATACTTCTCCTTCTTCAACACCTCCTTTCCAGCCTGCAGCTCCCTCAAG-3'
Protein context (NP_066124.1, residues 131-151): SLREGECQWP[Gly141=]CARVYFSFFN